The following is an entry in ClinVar:

NM_006204.4(PDE6C):c.2002G>A (p.Ala668Thr)

Gene: PDE6C (phosphodiesterase 6C; plus strand). Cytogenetic location: 10q23.33.
Variant type: single nucleotide variant.
Coding change: c.2002G>A on transcript NM_006204.4 (MANE Select); coding-DNA position 2002, G replaced by A.
Protein change: p.Ala668Thr; replaces alanine 668 with threonine.
Molecular consequence: missense variant.
Genome position (GRCh38, 1-based): chr10:93,655,826, G>A. VCF-style: chr10-93655826-G-A. GRCh37 (hg19) VCF-style: chr10-95415583-G-A.
Other names: c.2002G>A (NM_006204.3); short protein forms A668T.
Identifiers: ClinVar variation 1921265 (VCV001921265.7), dbSNP rs749904752, ClinGen allele CA5610366.

ClinVar aggregate classification (germline): Uncertain significance. Review status: criteria provided, multiple submitters, no conflicts (2 of 4 stars). 3 submissions from 3 submitters: Uncertain significance (3). Last evaluated 2025-11-19.

Conditions:
Inborn genetic diseases. Identifiers: MedGen C0950123, MeSH D030342.

Allele frequency attached by ClinVar (database versions not stated): gnomAD exomes 0.00001; ExAC 0.00002; gnomAD 0.00002; TOPMed 0.00002.
gnomAD v4.1: 20 of 1,600,570 alleles (0.0012%); highest among the groups gnomAD compares: Non-Finnish European, 0.0016%; no homozygotes.

Submissions (3):

Ambry Genetics
Classification: Uncertain significance for Inborn genetic diseases. Last evaluated: 2025-11-19. Review status: criteria provided, single submitter. Criteria: Ambry Variant Classification Scheme 2023. Collection method: clinical testing. Allele origin: germline.

Labcorp Genetics (formerly Invitae), Labcorp
Classification: Uncertain significance. Last evaluated: 2025-03-17. Review status: criteria provided, single submitter. Criteria: Invitae Variant Classification Sherloc (09022015). Collection method: clinical testing. Allele origin: germline.
Comment: This sequence change replaces alanine, which is neutral and non-polar, with threonine, which is neutral and polar, at codon 668 of the PDE6C protein (p.Ala668Thr). This variant is present in population databases (rs749904752, gnomAD 0.007%). This variant has not been reported in the literature in individuals affected with PDE6C-related conditions. ClinVar contains an entry for this variant (Variation ID: 1921265). Invitae Evidence Modeling of protein sequence and biophysical properties (such as structural, functional, and spatial information, amino acid conservation, physicochemical variation, residue mobility, and thermodynamic stability) has been performed for this missense variant. However, the output from this modeling did not meet the statistical confidence thresholds required to predict the impact of this variant on PDE6C protein function. In summary, the available evidence is currently insufficient to determine the role of this variant in disease. Therefore, it has been classified as a Variant of Uncertain Significance.

Blueprint Genetics
Classification: Uncertain significance. Last evaluated: 2024-10-14. Review status: criteria provided, single submitter. Criteria: ACMG Guidelines, 2015. Collection method: clinical testing. Allele origin: germline.